The following is an entry in ClinVar:

NM_001145809.2(MYH14):c.5087A>G (p.Gln1696Arg)

Gene: MYH14 (myosin heavy chain 14; plus strand). Cytogenetic location: 19q13.33.
Variant type: single nucleotide variant.
Coding change: c.5087A>G on transcript NM_001145809.2 (MANE Select); coding-DNA position 5087, A replaced by G.
Protein change: p.Gln1696Arg; replaces glutamine 1696 with arginine.
Molecular consequence: missense variant.
Genome position (GRCh38, 1-based): chr19:50,291,008, A>G. VCF-style: chr19-50291008-A-G. GRCh37 (hg19) VCF-style: chr19-50794265-A-G.
Other names: c.4988A>G, p.Gln1663Arg (NM_001077186.2); c.4964A>G, p.Gln1655Arg (NM_024729.4); short protein forms Q1655R, Q1663R, Q1696R.
Identifiers: ClinVar variation 3638556 (VCV003638556.2).

ClinVar aggregate classification (germline): Uncertain significance (1 of 4 stars; one submission).

Submission:

Labcorp Genetics (formerly Invitae), Labcorp
Classification: Uncertain significance. Last evaluated: 2025-03-03. Review status: criteria provided, single submitter. Criteria: Invitae Variant Classification Sherloc (09022015). Collection method: clinical testing. Allele origin: germline.
Comment: This sequence change replaces glutamine, which is neutral and polar, with arginine, which is basic and polar, at codon 1655 of the MYH14 protein (p.Gln1655Arg). This variant is not present in population databases (gnomAD no frequency). This variant has not been reported in the literature in individuals affected with MYH14-related conditions. Invitae Evidence Modeling of protein sequence and biophysical properties (such as structural, functional, and spatial information, amino acid conservation, physicochemical variation, residue mobility, and thermodynamic stability) indicates that this missense variant is not expected to disrupt MYH14 protein function with a negative predictive value of 80%. In summary, the available evidence is currently insufficient to determine the role of this variant in disease. Therefore, it has been classified as a Variant of Uncertain Significance.